The following is an entry in ClinVar:

ClinVar aggregate classification (germline): Uncertain significance. Review status: criteria provided, multiple submitters, no conflicts (2 of 4 stars). 2 submissions from 2 submitters: Uncertain significance (2). Last evaluated 2025-08-19.

Conditions:
Polyagglutinable erythrocyte syndrome (TNPS). Also called: GALACTOSYLTRANSFERASE DEFICIENCY; TN POLYAGGLUTINATION SYNDROME; TN POLYAGGLUTINATION SYNDROME, SOMATIC. Identifiers: MedGen C0272137, MONDO:0010381, OMIM 300622.

Allele frequency attached by ClinVar (database versions not stated): ExAC 0.00002; TOPMed 0.00005; gnomAD 0.00007; 1000 Genomes Project 30x 0.00021; 1000 Genomes Project 0.00026.

Submissions (2):

Labcorp Genetics (formerly Invitae), Labcorp
Classification: Uncertain significance for Polyagglutinable erythrocyte syndrome. Last evaluated: 2025-08-19. Review status: criteria provided, single submitter. Criteria: Invitae Variant Classification Sherloc (09022015). Collection method: clinical testing. Allele origin: germline.
Comment: This sequence change replaces asparagine, which is neutral and polar, with lysine, which is basic and polar, at codon 202 of the C1GALT1C1 protein (p.Asn202Lys). This variant is present in population databases (rs752289824, gnomAD 0.02%). This variant has not been reported in the literature in individuals affected with C1GALT1C1-related conditions. ClinVar contains an entry for this variant (Variation ID: 2053791). Invitae Evidence Modeling of protein sequence and biophysical properties (such as structural, functional, and spatial information, amino acid conservation, physicochemical variation, residue mobility, and thermodynamic stability) indicates that this missense variant is not expected to disrupt C1GALT1C1 protein function with a negative predictive value of 80%. In summary, the available evidence is currently insufficient to determine the role of this variant in disease. Therefore, it has been classified as a Variant of Uncertain Significance.

Ambry Genetics
Classification: Uncertain significance. Last evaluated: 2024-09-26. Review status: criteria provided, single submitter. Criteria: Ambry Variant Classification Scheme 2023. Collection method: clinical testing. Allele origin: germline.

NM_001011551.3(C1GALT1C1):c.606T>A (p.Asn202Lys)

Gene: C1GALT1C1 (C1GALT1 specific chaperone 1; minus strand). Cytogenetic location: Xq24.
Variant type: single nucleotide variant.
Coding change: c.606T>A on transcript NM_001011551.3 (MANE Select); coding-DNA position 606, T replaced by A.
Protein change: p.Asn202Lys; replaces asparagine 202 with lysine.
Molecular consequence: missense variant.
Genome position (GRCh38, 1-based): chrX:120,626,561, A>T on the plus strand (T>A on the coding strand, the complement: C1GALT1C1 is on the minus strand). VCF-style: chrX-120626561-A-T. GRCh37 (hg19) VCF-style: chrX-119760416-A-T.
Other names: c.606T>A, p.Asn202Lys (NM_152692.5); short protein forms N202K.
Identifiers: ClinVar variation 2053791 (VCV002053791.6), dbSNP rs752289824, ClinGen allele CA10505948.
Genomic context (GRCh38, chrX:120,626,561, plus strand): 5'-CTGTTTATCTTCAGATATCTTCCAAATCATCCCTCCCTGTTCAGGACACTTTTCTGGGAT[A>T]TTGAGAAGGCTGTTAAGTCTTTTCATTGATTCTACACTTAAGACAATTCCTCCTTCCATA-3'
Protein context (NP_001011551.1, residues 192-212): ESMKRLNSLL[Asn202Lys]IPEKCPEQGG